The following is an entry in ClinVar:

ClinVar aggregate classification (germline): Uncertain significance. Review status: criteria provided, multiple submitters, no conflicts (2 of 4 stars). 2 submissions from 2 submitters: Uncertain significance (2). Last evaluated 2023-10-18.

Conditions:
Inborn genetic diseases. Identifiers: MedGen C0950123, MeSH D030342.

Allele frequency attached by ClinVar (database versions not stated): TOPMed 0.00001.

Submissions (2):

Mayo Clinic Laboratories, Mayo Clinic
Classification: Uncertain significance. Last evaluated: 2023-10-18. Review status: criteria provided, single submitter. Criteria: ACMG Guidelines, 2015. Collection method: clinical testing. Allele origin: germline. Observed: 1 variant allele.
Comment: PM2_moderate

Ambry Genetics
Classification: Uncertain significance for Inborn genetic diseases. Last evaluated: 2021-12-18. Review status: criteria provided, single submitter. Criteria: Ambry Variant Classification Scheme 2023. Collection method: clinical testing. Allele origin: germline.
Comment: The p.V2107A variant (also known as c.6320T>C), located in coding exon 43 of the LRRK2 gene, results from a T to C substitution at nucleotide position 6320. The valine at codon 2107 is replaced by alanine, an amino acid with similar properties. This amino acid position is conserved. In addition, the in silico prediction for this alteration is inconclusive. Since supporting evidence is limited at this time, the clinical significance of this alteration remains unclear.

NM_198578.4(LRRK2):c.6320T>C (p.Val2107Ala)

Gene: LRRK2 (leucine rich repeat kinase 2; plus strand). Cytogenetic location: 12q12.
Variant type: single nucleotide variant.
Coding change: c.6320T>C on transcript NM_198578.4 (MANE Select); coding-DNA position 6320, T replaced by C.
Protein change: p.Val2107Ala; replaces valine 2107 with alanine.
Molecular consequence: missense variant.
Genome position (GRCh38, 1-based): chr12:40,348,448, T>C. VCF-style: chr12-40348448-T-C. GRCh37 (hg19) VCF-style: chr12-40742250-T-C.
Other names: p.Val2107Ala; short protein forms V2107A.
Identifiers: ClinVar variation 1752851 (VCV001752851.3), dbSNP rs1946260515, ClinGen allele CA384406086.